The following is an entry in ClinVar:

ClinVar aggregate classification (germline): Uncertain significance. Review status: criteria provided, multiple submitters, no conflicts (2 of 4 stars). 3 submissions from 3 submitters: Uncertain significance (3). Last evaluated 2026-01-27.

Conditions:
Cardiovascular phenotype. Identifiers: MedGen CN230736.

Allele frequency attached by ClinVar (database versions not stated): gnomAD exomes 0.00002 and 0.00003; TOPMed 0.00003; ExAC 0.00004; gnomAD 0.00005 and 0.00006.
gnomAD v4.1: 32 of 1,611,836 alleles (0.002%); highest among the groups gnomAD compares: Admixed American, 0.0083%; no homozygotes.

Submissions (3):

Labcorp Genetics (formerly Invitae), Labcorp
Classification: Uncertain significance. Last evaluated: 2026-01-27. Review status: criteria provided, single submitter. Criteria: Invitae Variant Classification Sherloc (09022015). Collection method: clinical testing. Allele origin: germline.
Comment: This sequence change replaces arginine, which is basic and polar, with cysteine, which is neutral and slightly polar, at codon 1241 of the ALPK3 protein (p.Arg1241Cys). This variant is present in population databases (rs753321062, gnomAD 0.007%). This variant has not been reported in the literature in individuals affected with ALPK3-related conditions. ClinVar contains an entry for this variant (Variation ID: 1426624). Invitae Evidence Modeling of protein sequence and biophysical properties (such as structural, functional, and spatial information, amino acid conservation, physicochemical variation, residue mobility, and thermodynamic stability) indicates that this missense variant is expected to disrupt ALPK3 protein function with a positive predictive value of 80%. In summary, the available evidence is currently insufficient to determine the role of this variant in disease. Therefore, it has been classified as a Variant of Uncertain Significance.

Molecular Diagnostic Laboratory for Inherited Cardiovascular Disease, Montreal Heart Institute
Classification: Uncertain significance for Cardiovascular phenotype. Last evaluated: 2025-04-09. Review status: criteria provided, single submitter. Criteria: ACMG Guidelines, 2015. Collection method: clinical testing. Allele origin: germline. Affected: yes.

Ambry Genetics
Classification: Uncertain significance for Cardiovascular phenotype. Last evaluated: 2024-07-01. Review status: criteria provided, single submitter. Criteria: Ambry Variant Classification Scheme 2023. Collection method: clinical testing. Allele origin: germline.
Comment: The p.R1241C variant (also known as c.3721C>T), located in coding exon 6 of the ALPK3 gene, results from a C to T substitution at nucleotide position 3721. The arginine at codon 1241 is replaced by cysteine, an amino acid with highly dissimilar properties. This amino acid position is conserved. In addition, the in silico prediction for this alteration is inconclusive. Based on the available evidence, the clinical significance of this variant remains unclear.

NM_020778.5(ALPK3):c.3115C>T (p.Arg1039Cys)

Gene: ALPK3 (alpha kinase 3; plus strand). Cytogenetic location: 15q25.3.
Variant type: single nucleotide variant.
Coding change: c.3115C>T on transcript NM_020778.5 (MANE Select); coding-DNA position 3115, C replaced by T.
Protein change: p.Arg1039Cys; replaces arginine 1039 with cysteine.
Molecular consequence: missense variant.
Genome position (GRCh38, 1-based): chr15:84,857,853, C>T. VCF-style: chr15-84857853-C-T. GRCh37 (hg19) VCF-style: chr15-85401084-C-T.
Other names: c.3721C>T (NM_020778.4); short protein forms R1039C.
Identifiers: ClinVar variation 1426624 (VCV001426624.10), dbSNP rs753321062, ClinGen allele CA7709557.